The following is an entry in ClinVar:

ClinVar aggregate classification (germline): Uncertain significance (1 of 4 stars; one submission).

gnomAD v4.1: 2 of 1,613,962 alleles (0.00012%); highest among the groups gnomAD compares: East Asian, 0.0022%; no homozygotes.

Submission:

GeneDx
Classification: Uncertain significance. Last evaluated: 2025-08-14. Review status: criteria provided, single submitter. Criteria: GeneDx Variant Classification Process June 2021. Collection method: clinical testing. Allele origin: germline. Affected: yes.
Comment: Not observed at significant frequency in large population cohorts (gnomAD); In silico analysis suggests that this missense variant does not alter protein structure/function; Has not been previously published as pathogenic or benign to our knowledge

NM_194248.3(OTOF):c.467C>G (p.Ser156Cys)

Gene: OTOF (otoferlin; minus strand). Cytogenetic location: 2p23.3.
Variant type: single nucleotide variant.
Coding change: c.467C>G on transcript NM_194248.3 (MANE Select); coding-DNA position 467, C replaced by G.
Protein change: p.Ser156Cys; replaces serine 156 with cysteine.
Molecular consequence: missense variant.
Genome position (GRCh38, 1-based): chr2:26,516,460, G>C on the plus strand (C>G on the coding strand, the complement: OTOF is on the minus strand). VCF-style: chr2-26516460-G-C. GRCh37 (hg19) VCF-style: chr2-26739328-G-C.
Other names: c.467C>G, p.Ser156Cys (NM_001287489.2); short protein forms S156C.
Identifiers: ClinVar variation 4795563 (VCV004795563.1).
Genomic context (GRCh38, chr2:26,516,460, plus strand): 5'-AGGGGTCCTGCCTGTTACCTCCGGAAGCTCTTCTCTCCTGGGGGCCGGGAGCTGGGCCGG[G>C]AGCCTGGGAGCAGTCCATCCGTCTCTTGGCTGTCCTTCTCTTCCTCTTGAAGAGACTCAT-3'
Protein context (NP_919224.1, residues 146-166): SQETDGLLPG[Ser156Cys]RPSSRPPGEK